The following is an entry in ClinVar:

ClinVar aggregate classification (germline): Pathogenic (1 of 4 stars; one submission).

Conditions:
GM3 synthase deficiency (SPDRS). Also called: SALT AND PEPPER MENTAL RETARDATION SYNDROME; AMISH INFANTILE EPILEPSY SYNDROME; SALT AND PEPPER DEVELOPMENTAL REGRESSION SYNDROME. Identifiers: Orphanet 171714, Orphanet 370933, MedGen C1836824, MONDO:0018274, OMIM 609056.

Submission:

Labcorp Genetics (formerly Invitae), Labcorp
Classification: Pathogenic for GM3 synthase deficiency. Last evaluated: 2023-08-18. Review status: criteria provided, single submitter. Criteria: Invitae Variant Classification Sherloc (09022015). Collection method: clinical testing. Allele origin: germline.
Comment: For these reasons, this variant has been classified as Pathogenic. This variant has not been reported in the literature in individuals affected with ST3GAL5-related conditions. This variant is not present in population databases (gnomAD no frequency). This sequence change creates a premature translational stop signal (p.Ala22Argfs*15) in the ST3GAL5 gene. It is expected to result in an absent or disrupted protein product. Loss-of-function variants in ST3GAL5 are known to be pathogenic (PMID: 15502825, 22990144, 27232954).

Literature cited by the submitters: PubMed 15502825; PubMed 22990144; PubMed 27232954.

NM_003896.4(ST3GAL5):c.64del (p.Ala22fs)

Genes: ST3GAL5 (ST3 beta-galactoside alpha-2,3-sialyltransferase 5; minus strand), LOC129934236 (ATAC-STARR-seq lymphoblastoid silent region 11709; plus strand). Cytogenetic location: 2p11.2.
Variant type: Deletion.
Coding change: c.64del on transcript NM_003896.4 (MANE Select); coding-DNA position 64, one base deleted (G; older notation c.64delG).
Protein change: p.Ala22fs; shifts the reading frame from alanine 22.
Molecular consequence: frameshift variant. On other transcripts: 5 prime UTR variant (6).
Genome position (GRCh38, 1-based): chr2:85,888,842, C deleted on the plus strand (G on the coding strand, the reverse complement: ST3GAL5 is on the minus strand); the first of 2 consecutive C bases (chr2:85,888,842-85,888,843); deleting either gives the same sequence. VCF-style (leftmost placement, unchanged base first): chr2-85888841-GC-G. GRCh37 (hg19) VCF-style: chr2-86115964-GC-G.
Other names: c.-899del (NM_001354223.2); c.-561del (NM_001354224.2); c.-498del (NM_001354226.2); c.-208del (NM_001354227.2); c.-152del (NM_001354229.2); c.-938del (NM_001354233.2); c.64del, p.Ala22fs (NM_001363847.1); short protein forms A22fs.
Identifiers: ClinVar variation 2812534 (VCV002812534.3), dbSNP rs2467352114, ClinGen allele CA2659896532.